The following is an entry in ClinVar:

ClinVar aggregate classification (germline): Uncertain significance (1 of 4 stars; one submission).

Conditions:
Gastrointestinal stromal tumor. Also called: Gastrointestinal stromal tumor, somatic; Gastrointestinal stroma tumor. Identifiers: Orphanet 44890, MedGen C0238198, MeSH D046152, MONDO:0011719, OMIM 606764, HP:0100723.
Pheochromocytoma/paraganglioma syndrome 4. Also called: CAROTID BODY TUMORS AND MULTIPLE EXTRAADRENAL PHEOCHROMOCYTOMAS; SDHB-Related Hereditary Paraganglioma-Pheochromocytoma Syndrome; Paragangliomas 4; SDHB-Related Hereditary Paraganglioma-Pheochromocytoma Syndrome (Paragangliomas 4); PARAGANGLIOMA, FAMILIAL MALIGNANT; PARAGANGLIOMAS, HEREDITARY EXTRAADRENAL. Identifiers: Orphanet 29072, MedGen C1861848, MONDO:0007273, OMIM 115310.
Pheochromocytoma. Also called: MAX-Related Hereditary Paraganglioma-Pheochromocytoma Syndrome. Identifiers: Orphanet 29072, MedGen C0031511, MONDO:0008233, OMIM 171300, HP:0002666.

Submission:

Labcorp Genetics (formerly Invitae), Labcorp
Classification: Uncertain significance for Gastrointestinal stromal tumor; Pheochromocytoma/paraganglioma syndrome 4; Pheochromocytoma. Last evaluated: 2024-04-15. Review status: criteria provided, single submitter. Criteria: Invitae Variant Classification Sherloc (09022015). Collection method: clinical testing. Allele origin: germline.
Comment: This sequence change replaces lysine, which is basic and polar, with threonine, which is neutral and polar, at codon 160 of the SDHB protein (p.Lys160Thr). This variant is not present in population databases (gnomAD no frequency). This variant has not been reported in the literature in individuals affected with SDHB-related conditions. ClinVar contains an entry for this variant (Variation ID: 956925). Advanced modeling of protein sequence and biophysical properties (such as structural, functional, and spatial information, amino acid conservation, physicochemical variation, residue mobility, and thermodynamic stability) performed at Invitae indicates that this missense variant is not expected to disrupt SDHB protein function with a negative predictive value of 80%. In summary, the available evidence is currently insufficient to determine the role of this variant in disease. Therefore, it has been classified as a Variant of Uncertain Significance.

NM_003000.3(SDHB):c.479A>C (p.Lys160Thr)

Gene: SDHB (succinate dehydrogenase complex iron sulfur subunit B; minus strand). Cytogenetic location: 1p36.13.
Variant type: single nucleotide variant.
Coding change: c.479A>C on transcript NM_003000.3 (MANE Select); coding-DNA position 479, A replaced by C.
Protein change: p.Lys160Thr; replaces lysine 160 with threonine.
Molecular consequence: missense variant.
Genome position (GRCh38, 1-based): chr1:17,027,810, T>G on the plus strand (A>C on the coding strand, the complement: SDHB is on the minus strand). VCF-style: chr1-17027810-T-G. GRCh37 (hg19) VCF-style: chr1-17354305-T-G.
Other names: short protein forms K160T.
Identifiers: ClinVar variation 956925 (VCV000956925.7), dbSNP rs2077999799, ClinGen allele CA338272838.
Genomic context (GRCh38, chr1:17,027,810, plus strand): 5'-AGTTTCTCACGCTCTTCTATGGACTGCAGATACTGCTGCTTGCCTTCCTGAGATTCATCC[T>G]TCTTCTTCAAATAAGGCTCAATGGATTTGTACTGTGCATAGAAGTTGCTCAAATCCTGTG-3'
Protein context (NP_002991.2, residues 150-170): YKSIEPYLKK[Lys160Thr]DESQEGKQQY